The following is an entry in ClinVar:

NM_052867.4(NALCN):c.1314G>A (p.Trp438Ter)

Gene: NALCN (sodium leak channel, non-selective; minus strand). Cytogenetic location: 13q33.1.
Variant type: single nucleotide variant.
Coding change: c.1314G>A on transcript NM_052867.4 (MANE Select); coding-DNA position 1314, G replaced by A.
Protein change: p.Trp438Ter; replaces tryptophan 438 with a stop codon.
Molecular consequence: nonsense.
Genome position (GRCh38, 1-based): chr13:101,237,875, C>T on the plus strand (G>A on the coding strand, the complement: NALCN is on the minus strand). VCF-style: chr13-101237875-C-T. GRCh37 (hg19) VCF-style: chr13-101890226-C-T.
Other names: c.1314G>A, p.Trp438Ter (NM_001350748.2, NM_001350749.2); c.1227G>A, p.Trp409Ter (NM_001350750.2, NM_001350751.2); short protein forms W409*, W438*.
Identifiers: ClinVar variation 2000783 (VCV002000783.4), dbSNP rs767029163, ClinGen allele CA388703239.

ClinVar aggregate classification (germline): Pathogenic (1 of 4 stars; one submission).

Submission:

Labcorp Genetics (formerly Invitae), Labcorp
Classification: Pathogenic. Last evaluated: 2022-05-29. Review status: criteria provided, single submitter. Criteria: Invitae Variant Classification Sherloc (09022015). Collection method: clinical testing. Allele origin: germline.
Comment: This sequence change creates a premature translational stop signal (p.Trp438*) in the NALCN gene. It is expected to result in an absent or disrupted protein product. Loss-of-function variants in NALCN are known to be pathogenic (PMID: 23749988, 24075186). This variant is not present in population databases (gnomAD no frequency). This variant has not been reported in the literature in individuals affected with NALCN-related conditions. For these reasons, this variant has been classified as Pathogenic.

Literature cited by the submitters: PubMed 23749988; PubMed 24075186.